The following is an entry in ClinVar:

NM_020949.3(SLC7A14):c.1966A>T (p.Ile656Phe)

Genes: SLC7A14 (solute carrier family 7 member 14; minus strand), SLC7A14-AS1 (SLC7A14 antisense RNA 1; plus strand). Cytogenetic location: 3q26.2.
Variant type: single nucleotide variant.
Coding change: c.1966A>T on transcript NM_020949.3 (MANE Select); coding-DNA position 1966, A replaced by T.
Protein change: p.Ile656Phe; replaces isoleucine 656 with phenylalanine.
Molecular consequence: missense variant.
Genome position (GRCh38, 1-based): chr3:170,480,316, T>A on the plus strand (A>T on the coding strand, the complement: SLC7A14 is on the minus strand). VCF-style: chr3-170480316-T-A. GRCh37 (hg19) VCF-style: chr3-170198105-T-A.
Other names: short protein forms I656F.
Identifiers: ClinVar variation 2283615 (VCV002283615.5), dbSNP rs773661832, ClinGen allele CA2701541.

ClinVar aggregate classification (germline): Uncertain significance. Review status: criteria provided, multiple submitters, no conflicts (2 of 4 stars). 2 submissions from 2 submitters: Uncertain significance (2). Last evaluated 2023-08-17.

Allele frequency attached by ClinVar (database versions not stated): ExAC 0.00003.
gnomAD v4.1: 11 of 1,545,086 alleles (0.00071%); highest among the groups gnomAD compares: South Asian, 0.014%; no homozygotes.

Submissions (2):

Labcorp Genetics (formerly Invitae), Labcorp
Classification: Uncertain significance. Last evaluated: 2023-08-17. Review status: criteria provided, single submitter. Criteria: Invitae Variant Classification Sherloc (09022015). Collection method: clinical testing. Allele origin: germline.
Comment: In summary, the available evidence is currently insufficient to determine the role of this variant in disease. Therefore, it has been classified as a Variant of Uncertain Significance. An algorithm developed to predict the effect of missense changes on protein structure and function (PolyPhen-2) suggests that this variant is likely to be tolerated. ClinVar contains an entry for this variant (Variation ID: 2283615). This variant has not been reported in the literature in individuals affected with SLC7A14-related conditions. This variant is present in population databases (rs773661832, gnomAD 0.02%). This sequence change replaces isoleucine, which is neutral and non-polar, with phenylalanine, which is neutral and non-polar, at codon 656 of the SLC7A14 protein (p.Ile656Phe).

Ambry Genetics
Classification: Uncertain significance. Last evaluated: 2022-04-13. Review status: criteria provided, single submitter. Criteria: Ambry Variant Classification Scheme 2023. Collection method: clinical testing. Allele origin: germline.